The following is an entry in ClinVar:

NM_001382430.1(AKT1):c.958-7C>T

Gene: AKT1 (AKT serine/threonine kinase 1; minus strand). Cytogenetic location: 14q32.33.
Variant type: single nucleotide variant.
Coding change: c.958-7C>T on transcript NM_001382430.1 (MANE Select); 7 bases into the intron before coding-DNA position 958, C replaced by T.
Molecular consequence: intron variant.
Genome position (GRCh38, 1-based): chr14:104,773,099, G>A on the plus strand (C>T on the coding strand, the complement: AKT1 is on the minus strand). VCF-style: chr14-104773099-G-A. GRCh37 (hg19) VCF-style: chr14-105239436-G-A.
Other names: c.958-7C>T (NM_001014431.1, NM_001014431.2, NM_001014432.2 and 4 more transcripts).
Identifiers: ClinVar variation 220941 (VCV000220941.14), dbSNP rs369048965, ClinGen allele CA348072.

ClinVar aggregate classification (germline): Benign. Review status: criteria provided, multiple submitters, no conflicts (2 of 4 stars). 3 submissions from 3 submitters: Benign (2). 1 of the submissions does not count toward it. Last evaluated 2026-01-27.

Conditions:
AKT1-related disorder. Also called: AKT1-related condition.
Cowden syndrome 6 (CWS6). Identifiers: Orphanet 201, MedGen C3554519, MONDO:0014048, OMIM 615109.

Allele frequency attached by ClinVar (database versions not stated): gnomAD 0.00007 and 0.00164; TOPMed 0.00038; gnomAD exomes 0.00530; ExAC 0.00605; 1000 Genomes Project 30x 0.01280; 1000 Genomes Project 0.01338.
gnomAD v4.1: 4,007 of 1,613,702 alleles (0.25%); highest among the groups gnomAD compares: South Asian, 4.1%; 103 homozygotes.

Submissions (3):

Labcorp Genetics (formerly Invitae), Labcorp
Classification: Benign for Cowden syndrome 6. Last evaluated: 2026-01-27. Review status: criteria provided, single submitter. Criteria: Invitae Variant Classification Sherloc (09022015). Collection method: clinical testing. Allele origin: germline.

KCCC/NGS Laboratory, Kuwait Cancer Control Center
Classification: Benign for Cowden syndrome 6. Last evaluated: 2023-07-07. Review status: criteria provided, single submitter. Criteria: ACMG Guidelines, 2015. Collection method: clinical testing. Allele origin: germline. Affected: yes.

PreventionGenetics, part of Exact Sciences
Classification: Benign for AKT1-related condition. Last evaluated: 2019-05-02. Review status: no assertion criteria provided. Collection method: clinical testing. Allele origin: germline. Not counted in ClinVar's aggregate classification.
Comment: This variant is classified as benign based on ACMG/AMP sequence variant interpretation guidelines (Richards et al. 2015 PMID: 25741868, with internal and published modifications).